The following is an entry in ClinVar:

ClinVar aggregate classification (germline): Uncertain significance (1 of 4 stars; one submission).

Conditions:
Immunodeficiency. Identifiers: MedGen C0021051, MONDO:0021094, HP:0002721.

Allele frequency attached by ClinVar (database versions not stated): ExAC 0.00001; gnomAD 0.00001; gnomAD exomes 0.00001; TOPMed 0.00001.
gnomAD v4.1: 14 of 1,614,080 alleles (0.00087%); highest among the groups gnomAD compares: Non-Finnish European, 0.0011%; no homozygotes.

Submission:

Labcorp Genetics (formerly Invitae), Labcorp
Classification: Uncertain significance for Immunodeficiency. Last evaluated: 2026-01-31. Review status: criteria provided, single submitter. Criteria: Invitae Variant Classification Sherloc (09022015). Collection method: clinical testing. Allele origin: germline.
Comment: This sequence change replaces asparagine, which is neutral and polar, with serine, which is neutral and polar, at codon 1072 of the NFAT5 protein (p.Asn1072Ser). This variant is present in population databases (rs776590259, gnomAD 0.0009%). This variant has not been reported in the literature in individuals affected with NFAT5-related conditions. ClinVar contains an entry for this variant (Variation ID: 1017122). An algorithm developed to predict the effect of missense changes on protein structure and function outputs the following: PolyPhen-2: "Benign". The serine amino acid residue is found in multiple mammalian species, which suggests that this missense change does not adversely affect protein function. In summary, the available evidence is currently insufficient to determine the role of this variant in disease. Therefore, it has been classified as a Variant of Uncertain Significance.

NM_138713.4(NFAT5):c.3497A>G (p.Asn1166Ser)

Gene: NFAT5 (nuclear factor of activated T cells 5; plus strand). Cytogenetic location: 16q22.1.
Variant type: single nucleotide variant.
Coding change: c.3497A>G on transcript NM_138713.4 (MANE Select); coding-DNA position 3497, A replaced by G.
Protein change: p.Asn1166Ser; replaces asparagine 1166 with serine.
Molecular consequence: missense variant.
Genome position (GRCh38, 1-based): chr16:69,693,322, A>G. VCF-style: chr16-69693322-A-G. GRCh37 (hg19) VCF-style: chr16-69727225-A-G.
Other names: c.3494A>G, p.Asn1165Ser (NM_001113178.3); c.2822A>G, p.Asn941Ser (NM_001367709.1); c.3443A>G, p.Asn1148Ser (NM_006599.4); c.3215A>G, p.Asn1072Ser (NM_138714.4, NM_173214.3, NM_173215.3); short protein forms N1072S, N1148S, N1165S, N1166S, N941S.
Identifiers: ClinVar variation 1017122 (VCV001017122.8), dbSNP rs776590259, ClinGen allele CA8135917.